The following is an entry in ClinVar:

NM_000435.3(NOTCH3):c.120C>T (p.Ala40=)

Gene: NOTCH3 (notch receptor 3; minus strand). Cytogenetic location: 19p13.12.
Variant type: single nucleotide variant.
Coding change: c.120C>T on transcript NM_000435.3 (MANE Select); coding-DNA position 120, C replaced by T.
Protein change: p.Ala40=; no amino-acid change (alanine 40 retained).
Molecular consequence: synonymous variant.
Genome position (GRCh38, 1-based): chr19:15,197,577, G>A on the plus strand (C>T on the coding strand, the complement: NOTCH3 is on the minus strand). VCF-style: chr19-15197577-G-A. GRCh37 (hg19) VCF-style: chr19-15308388-G-A.
Identifiers: ClinVar variation 892160 (VCV000892160.17), dbSNP rs146904189, ClinGen allele CA9263996.

ClinVar aggregate classification (germline): Conflicting classifications of pathogenicity. Review status: criteria provided, conflicting classifications (1 of 4 stars). 6 submissions from 6 submitters: Uncertain significance (2); Likely benign (3). 1 of the submissions does not count toward it. Last evaluated 2025-12-01.

Conditions:
Cerebral arteriopathy, autosomal dominant, with subcortical infarcts and leukoencephalopathy, type 1 (CADASIL1). Also called: CADASIL 1; CASIL; Cerebral arteriopathy with subcortical infarcts and leukoencephalopathy 1; DEMENTIA, HEREDITARY MULTIINFARCT TYPE. Identifiers: Orphanet 136, MedGen C4551768, MONDO:0000914, OMIM 125310.
Cerebral arteriopathy with subcortical infarcts and leukoencephalopathy. Also called: Cerebral autosomal dominant arteriopathy with subcortical infarcts and leukoencephalopathy. Identifiers: MedGen C0751587, MONDO:0007432.
NOTCH3-related disorder. Also called: NOTCH3-related disorders; NOTCH3-related condition.

Allele frequency attached by ClinVar (database versions not stated): TOPMed 0.00004.
gnomAD v4.1: 111 of 1,611,278 alleles (0.0069%); highest among the groups gnomAD compares: Non-Finnish European, 0.0092%; no homozygotes.

Submissions (6):

Women's Health and Genetics/Laboratory Corporation of America, LabCorp
Classification: Uncertain significance. Last evaluated: 2025-12-01. Review status: criteria provided, single submitter. Criteria: LabCorp Variant Classification Summary - May 2015. Collection method: clinical testing. Allele origin: germline.
Comment: Variant summary: NOTCH3 c.120C>T (p.Ala40Ala) alters a nucleotide located close to a canonical splice site and therefore could affect mRNA splicing, leading to a significantly altered protein sequence. Consensus agreement among computation tools predict no significant impact on normal splicing. However, these predictions have yet to be confirmed by functional studies. The variant allele was found at a frequency of 3.3e-05 in 242882 control chromosomes. The available data on variant occurrences in the general population are insufficient to allow any conclusion about variant significance. To our knowledge, no occurrence of c.120C>T in individuals affected with NOTCH3-related conditions and no experimental evidence demonstrating its impact on protein function have been reported. ClinVar contains an entry for this variant (Variation ID: 892160). Based on the evidence outlined above, the variant was classified as uncertain significance.

PreventionGenetics, part of Exact Sciences
Classification: Likely benign for NOTCH3-related condition. Last evaluated: 2025-03-24. Review status: criteria provided, single submitter. Criteria: ACMG Guidelines, 2015. Collection method: clinical testing. Allele origin: germline.
Comment: This variant is classified as likely benign based on ACMG/AMP sequence variant interpretation guidelines (Richards et al. 2015 PMID: 25741868, with internal and published modifications).

Blueprint Genetics
Classification: Likely benign. Last evaluated: 2024-03-21. Review status: criteria provided, single submitter. Criteria: ACMG Guidelines, 2015. Collection method: clinical testing. Allele origin: germline.

Labcorp Genetics (formerly Invitae), Labcorp
Classification: Likely benign. Last evaluated: 2021-12-19. Review status: criteria provided, single submitter. Criteria: Invitae Variant Classification Sherloc (09022015). Collection method: clinical testing. Allele origin: germline.

Illumina Laboratory Services, Illumina
Classification: Uncertain significance for Cerebral arteriopathy, autosomal dominant, with subcortical infarcts and leukoencephalopathy, type 1. Last evaluated: 2018-01-13. Review status: criteria provided, single submitter. Criteria: ICSL Variant Classification Criteria 13 December 2019. Collection method: clinical testing. Allele origin: germline.

Molecular Genetics Laboratory, BC Children's and BC Women's Hospitals
Classification: Likely benign for Cerebral arteriopathy with subcortical infarcts and leukoencephalopathy. Last evaluated: 2023-12-14. Review status: no assertion criteria provided. Criteria: ACMG Guidelines, 2015. Collection method: clinical testing. Allele origin: germline. Affected: yes. Not counted in ClinVar's aggregate classification.